The following is an entry in ClinVar:

ClinVar aggregate classification (germline): Uncertain significance. Review status: criteria provided, single submitter (1 of 4 stars). 2 submissions from 2 submitters: Uncertain significance (1). 1 of the submissions does not count toward it. Last evaluated 2018-01-13.

Conditions:
RAB18-related disorder. Also called: RAB18-related condition.
Warburg micro syndrome 3 (WARBM3). Also called: MICRO SYNDROME 3. Identifiers: Orphanet 2510, MedGen C3280203, MONDO:0013638, OMIM 614222.

Allele frequency attached by ClinVar (database versions not stated): gnomAD below 0.00001 and 0.00001; TOPMed 0.00001; ExAC 0.00007; gnomAD exomes 0.00007.
gnomAD v4.1: 43 of 1,613,002 alleles (0.0027%); highest among the groups gnomAD compares: South Asian, 0.046%; no homozygotes.

Submissions (2):

Illumina Laboratory Services, Illumina
Classification: Uncertain significance for Warburg micro syndrome 3. Last evaluated: 2018-01-13. Review status: criteria provided, single submitter. Criteria: ICSL Variant Classification Criteria 13 December 2019. Collection method: clinical testing. Allele origin: germline.

PreventionGenetics, part of Exact Sciences
Classification: Likely benign for RAB18-related condition. Last evaluated: 2021-04-02. Review status: no assertion criteria provided. Collection method: clinical testing. Allele origin: germline. Not counted in ClinVar's aggregate classification.
Comment: This variant is classified as likely benign based on ACMG/AMP sequence variant interpretation guidelines (Richards et al. 2015 PMID: 25741868, with internal and published modifications).

NM_021252.5(RAB18):c.270C>A (p.Val90=)

Gene: RAB18 (RAB18, member RAS oncogene family; plus strand). Cytogenetic location: 10p12.1.
Variant type: single nucleotide variant.
Coding change: c.270C>A on transcript NM_021252.5 (MANE Select); coding-DNA position 270, C replaced by A.
Protein change: p.Val90=; no amino-acid change (valine 90 retained).
Molecular consequence: synonymous variant. On other transcripts: non-coding transcript variant (1), intron variant (1).
Genome position (GRCh38, 1-based): chr10:27,533,745, C>A. VCF-style: chr10-27533745-C-A. GRCh37 (hg19) VCF-style: chr10-27822674-C-A.
Other names: c.357C>A, p.Val119= (NM_001256410.2); c.270C>A, p.Val90= (NM_001256411.2); c.187-183C>A (NM_001256412.2); c.357C>A (NM_001256410.1).
Identifiers: ClinVar variation 299817 (VCV000299817.7), dbSNP rs750139202, ClinGen allele CA5452349.